The following is an entry in ClinVar:

ClinVar aggregate classification (germline): Conflicting classifications of pathogenicity. Review status: criteria provided, conflicting classifications (1 of 4 stars). 8 submissions from 8 submitters: Uncertain significance (7); Likely benign (1). Last evaluated 2026-01-28.

Conditions:
Classic or attenuated familial adenomatous polyposis. Identifiers: MedGen CN372698, MONDO:0021057.
Hereditary cancer-predisposing syndrome. Also called: Hereditary neoplastic syndrome; Tumor predisposition; Hereditary Cancer Syndrome; Neoplastic Syndromes, Hereditary. Identifiers: Orphanet 140162, MedGen C0027672, MeSH D009386, MONDO:0015356.
Familial adenomatous polyposis 1 (FAP1). Also called: FAMILIAL ADENOMATOUS POLYPOSIS 1, ATTENUATED; POLYPOSIS, ADENOMATOUS INTESTINAL. Identifiers: MedGen C2713442, MONDO:0021056, OMIM 175100. Disease mechanism: loss of function.

Submissions (8):

Labcorp Genetics (formerly Invitae), Labcorp
Classification: Uncertain significance for Familial adenomatous polyposis 1. Last evaluated: 2026-01-28. Review status: criteria provided, single submitter. Criteria: Invitae Variant Classification Sherloc (09022015). Collection method: clinical testing. Allele origin: germline.
Comment: This variant, c.4018_4020dup, results in the insertion of 1 amino acid(s) of the APC protein (p.Ser1341dup), but otherwise preserves the integrity of the reading frame. This variant is present in population databases (no rsID available, gnomAD 0.002%). This variant has been observed in individual(s) with clinical features of APC-related conditions (PMID: 25980754). ClinVar contains an entry for this variant (Variation ID: 220089). Experimental studies and prediction algorithms are not available or were not evaluated, and the functional significance of this variant is currently unknown. In summary, the available evidence is currently insufficient to determine the role of this variant in disease. Therefore, it has been classified as a Variant of Uncertain Significance.

Women's Health and Genetics/Laboratory Corporation of America, LabCorp
Classification: Uncertain significance. Last evaluated: 2025-12-08. Review status: criteria provided, single submitter. Criteria: LabCorp Variant Classification Summary - May 2015. Collection method: clinical testing. Allele origin: germline.
Comment: Variant summary: APC c.4018_4020dupTCT (p.Ser1341dup) results in an in-frame duplication that is predicted to duplicate one amino acid into the encoded protein. The variant allele was found at a frequency of 8e-06 in 251020 control chromosomes (gnomAD). The available data on variant occurrences in the general population are insufficient to allow any conclusion about variant significance. c.4018_4020dupTCT has been observed in an individual(s) affected with features of Lynch syndrome (e.g. Yurgelun_2015). These report(s) do not provide unequivocal conclusions about association of the variant with Familial Adenomatous Polyposis. To our knowledge, no experimental evidence demonstrating an impact on protein function has been reported. The following publication has been ascertained in the context of this evaluation (PMID: 25980754). ClinVar contains an entry for this variant (Variation ID: 220089). Based on the evidence outlined above, the variant was classified as uncertain significance.

GeneDx
Classification: Uncertain significance. Last evaluated: 2024-12-27. Review status: criteria provided, single submitter. Criteria: GeneDx Variant Classification Process June 2021. Collection method: clinical testing. Allele origin: germline. Affected: yes.
Comment: In-frame duplication of 1 amino acid in a non-repeat region; Observed in an individual undergoing multi-gene cancer panel testing due to a personal history of a Lynch syndrome-related cancer and/or polyps (PMID: 25980754); Not observed at significant frequency in large population cohorts (gnomAD); This variant is associated with the following publications: (PMID: 25980754, 18199528)

All of Us Research Program, National Institutes of Health
Classification: Uncertain significance for Classic or attenuated familial adenomatous polyposis. Last evaluated: 2024-05-30. Review status: criteria provided, single submitter. Criteria: ACMG Guidelines, 2015. Collection method: clinical testing. Allele origin: germline. Inheritance: Autosomal dominant inheritance. Observed: 6 variant alleles, 6 heterozygotes.
Comment: This variant causes an in-frame duplication of 1 amino acids of the APC protein. To our knowledge, functional studies have not been reported for this variant. This variant has not been reported in individuals affected with APC-related disorders in the literature. This variant has been identified in 2/251020 chromosomes in the general population by the Genome Aggregation Database (gnomAD). The available evidence is insufficient to determine the role of this variant in disease conclusively. Therefore, this variant is classified as a Variant of Uncertain Significance.

This study involves interpretation of variants in research participants for the purpose of population health screening. Participant phenotype was not available at the time of variant classification. Additional details can be found in publication PMID: 35346344, PMCID: PMC8962531

Color Diagnostics, LLC DBA Color Health
Classification: Uncertain significance for Hereditary cancer-predisposing syndrome. Last evaluated: 2024-05-15. Review status: criteria provided, single submitter. Criteria: ACMG Guidelines, 2015. Collection method: clinical testing. Allele origin: germline.
Comment: This variant causes an in-frame duplication of 1 amino acids of the APC protein. To our knowledge, functional studies have not been reported for this variant. This variant has been reported in an individual suspected of Lynch syndrome (PMID: 25980754). This variant has been identified in 2/251020 chromosomes in the general population by the Genome Aggregation Database (gnomAD). The available evidence is insufficient to determine the role of this variant in disease conclusively. Therefore, this variant is classified as a Variant of Uncertain Significance.

Baylor Genetics
Classification: Uncertain significance for Familial adenomatous polyposis 1. Last evaluated: 2024-03-19. Review status: criteria provided, single submitter. Criteria: ACMG Guidelines, 2015. Collection method: clinical testing. Allele origin: unknown.

Ambry Genetics
Classification: Likely benign for Hereditary cancer-predisposing syndrome. Last evaluated: 2023-05-16. Review status: criteria provided, single submitter. Criteria: Ambry Variant Classification Scheme 2023. Collection method: clinical testing. Allele origin: germline.

Department of Pathology and Laboratory Medicine, Sinai Health System
Classification: Uncertain significance for classic or attenuated familial adenomatous polyposis. Last evaluated: 2020-07-30. Review status: criteria provided, single submitter. Criteria: ACMG Guidelines, 2015. Collection method: clinical testing. Allele origin: germline. Affected: yes.

Literature cited by the submitters: PubMed 25980754 (cited by 5 submitters).

NM_000038.6(APC):c.4018_4020dup (p.Ser1341dup)

Gene: APC (APC regulator of Wnt signaling pathway; plus strand). Cytogenetic location: 5q22.2.
Variant type: Duplication.
Coding change: c.4018_4020dup on transcript NM_000038.6 (MANE Select); coding-DNA positions 4018 to 4020, 3 bases duplicated (TCT; older notation c.4018_4020dupTCT).
Protein change: p.Ser1341dup; duplicates serine 1341.
Molecular consequence: inframe insertion.
Genome position (GRCh38, 1-based): chr5:112,839,612-112,839,614, TCT duplicated; duplicating any 3 consecutive bases within chr5:112,839,611-112,839,614 gives the same sequence; the c. name uses the placement nearest the transcript's 3' end. VCF-style (leftmost placement, unchanged base first): chr5-112839610-G-GTTC. GRCh37 (hg19) VCF-style: chr5-112175307-G-GTTC.
Other names: c.4018_4020dup, p.Ser1341dup (NM_001127510.3, NM_001354895.2); c.3964_3966dup, p.Ser1323dup (NM_001127511.3); c.4072_4074dup, p.Ser1359dup (NM_001354896.2); c.4048_4050dup, p.Ser1351dup (NM_001354897.2); c.3943_3945dup, p.Ser1316dup (NM_001354898.2); c.3934_3936dup, p.Ser1313dup (NM_001354899.2); c.3895_3897dup, p.Ser1300dup (NM_001354900.2); c.3841_3843dup, p.Ser1282dup (NM_001354901.2); and 6 more.
Identifiers: ClinVar variation 220089 (VCV000220089.32), dbSNP rs864622376, ClinGen allele CA349476.